The following is an entry in ClinVar:

ClinVar aggregate classification (germline): Uncertain significance (1 of 4 stars; one submission).

Conditions:
Wilms tumor 1 (WT1). Also called: Wilms tumor, somatic. Identifiers: Orphanet 654, MedGen CN033288, MONDO:0008679, OMIM 194070.

Submission:

Labcorp Genetics (formerly Invitae), Labcorp
Classification: Uncertain significance for Wilms tumor 1. Last evaluated: 2022-03-23. Review status: criteria provided, single submitter. Criteria: Invitae Variant Classification Sherloc (09022015). Collection method: clinical testing. Allele origin: germline.
Comment: This sequence change replaces asparagine, which is neutral and polar, with serine, which is neutral and polar, at codon 424 of the GPC3 protein (p.Asn424Ser). This variant is not present in population databases (gnomAD no frequency). This variant has not been reported in the literature in individuals affected with GPC3-related conditions. Algorithms developed to predict the effect of missense changes on protein structure and function are either unavailable or do not agree on the potential impact of this missense change (SIFT: "Tolerated"; PolyPhen-2: "Probably Damaging"; Align-GVGD: "Class C0"). In summary, the available evidence is currently insufficient to determine the role of this variant in disease. Therefore, it has been classified as a Variant of Uncertain Significance.

NM_004484.4(GPC3):c.1271A>G (p.Asn424Ser)

Gene: GPC3 (glypican 3; minus strand). Cytogenetic location: Xq26.2.
Variant type: single nucleotide variant.
Coding change: c.1271A>G on transcript NM_004484.4 (MANE Select); coding-DNA position 1271, A replaced by G.
Protein change: p.Asn424Ser; replaces asparagine 424 with serine.
Molecular consequence: missense variant.
Genome position (GRCh38, 1-based): chrX:133,692,390, T>C on the plus strand (A>G on the coding strand, the complement: GPC3 is on the minus strand). VCF-style: chrX-133692390-T-C. GRCh37 (hg19) VCF-style: chrX-132826418-T-C.
Other names: c.1340A>G, p.Asn447Ser (NM_001164617.2); c.1223A>G, p.Asn408Ser (NM_001164618.2); c.1109A>G, p.Asn370Ser (NM_001164619.2); short protein forms N408S, N424S, N370S, N447S.
Identifiers: ClinVar variation 1956112 (VCV001956112.5), dbSNP rs2521131618, ClinGen allele CA414705352.